The following is an entry in ClinVar:

ClinVar aggregate classification (germline): Uncertain significance (1 of 4 stars; one submission).

gnomAD v4.1: 1 of 1,614,224 alleles (0.000062%); highest among the groups gnomAD compares: Non-Finnish European, 0.000085%; no homozygotes.

Submission:

Labcorp Genetics (formerly Invitae), Labcorp
Classification: Uncertain significance. Last evaluated: 2025-09-09. Review status: criteria provided, single submitter. Criteria: Invitae Variant Classification Sherloc (09022015). Collection method: clinical testing. Allele origin: germline.
Comment: This sequence change replaces lysine, which is basic and polar, with threonine, which is neutral and polar, at codon 217 of the BACH2 protein (p.Lys217Thr). This variant is not present in population databases (gnomAD no frequency). This variant has not been reported in the literature in individuals affected with BACH2-related conditions. ClinVar contains an entry for this variant (Variation ID: 3692379). Invitae Evidence Modeling of protein sequence and biophysical properties (such as structural, functional, and spatial information, amino acid conservation, physicochemical variation, residue mobility, and thermodynamic stability) indicates that this missense variant is not expected to disrupt BACH2 protein function with a negative predictive value of 80%. In summary, the available evidence is currently insufficient to determine the role of this variant in disease. Therefore, it has been classified as a Variant of Uncertain Significance.

NM_021813.4(BACH2):c.650A>C (p.Lys217Thr)

Gene: BACH2 (BACH transcriptional regulator 2; minus strand). Cytogenetic location: 6q15.
Variant type: single nucleotide variant.
Coding change: c.650A>C on transcript NM_021813.4 (MANE Select); coding-DNA position 650, A replaced by C.
Protein change: p.Lys217Thr; replaces lysine 217 with threonine.
Molecular consequence: missense variant.
Genome position (GRCh38, 1-based): chr6:89,951,456, T>G on the plus strand (A>C on the coding strand, the complement: BACH2 is on the minus strand). VCF-style: chr6-89951456-T-G. GRCh37 (hg19) VCF-style: chr6-90661175-T-G.
Other names: c.650A>C, p.Lys217Thr (NM_001170794.2); short protein forms K217T.
Identifiers: ClinVar variation 3692379 (VCV003692379.2).
Genomic context (GRCh38, chr6:89,951,456, plus strand): 5'-GCAAGCTGGTATTTCTTGTATCTGGGGTACTGCGTTAACGCGTCCTTTTCTGAGCTCTCC[T>G]TGGTGTCTGTGGGCACGTCAGGCTCGGGCAGCAGGGCTTCTTCCTTCTCTGCTACGGGGA-3'
Protein context (NP_068585.1, residues 207-227): LPEPDVPTDT[Lys217Thr]ESSEKDALTQ